The following is an entry in ClinVar:

NM_033068.3(ACP4):c.331C>T (p.Arg111Cys)

Gene: ACP4 (acid phosphatase 4; plus strand). Cytogenetic location: 19q13.33.
Variant type: single nucleotide variant.
Coding change: c.331C>T on transcript NM_033068.3 (MANE Select); coding-DNA position 331, C replaced by T.
Protein change: p.Arg111Cys; replaces arginine 111 with cysteine.
Molecular consequence: missense variant.
Genome position (GRCh38, 1-based): chr19:50,791,683, C>T. VCF-style: chr19-50791683-C-T. GRCh37 (hg19) VCF-style: chr19-51294940-C-T.
Other names: short protein forms R111C.
Identifiers: ClinVar variation 374863 (VCV000374863.9), dbSNP rs202073531, ClinGen allele CA9602928.

ClinVar aggregate classification (germline): Pathogenic/Likely pathogenic. Review status: criteria provided, multiple submitters, no conflicts (2 of 4 stars). 6 submissions from 6 submitters: Pathogenic (1); Likely pathogenic (4). 1 of the submissions does not count toward it. Last evaluated 2026-01-22.

Conditions:
Amelogenesis imperfecta, type 1J (AI1J). Also called: Amelogenesis imperfecta, type IJ. Identifiers: MedGen C4310630, MONDO:0015008, OMIM 617297.

Allele frequency attached by ClinVar (database versions not stated): gnomAD exomes 0.00008 and 0.00013; ExAC 0.00011; gnomAD 0.00011 and 0.00012; ESP Exome Variant Server 0.00015; TOPMed 0.00018; 1000 Genomes Project 30x 0.00031; 1000 Genomes Project 0.00040.

Submissions (6):

Leeds Amelogenesis Imperfecta Research Group, University of Leeds
Classification: Pathogenic for Amelogenesis imperfecta, type 1J. Last evaluated: 2026-01-22. Review status: criteria provided, single submitter. Criteria: ACMG Guidelines, 2015. Collection method: research. Allele origin: biparental, maternal. Inheritance: Autosomal recessive inheritance. Affected: yes. Observed: 1 compound heterozygote, 1 homozygote. Segregation with disease observed.
Comment: The NM_033068.3 c.331C>T is a missense variant in ACP4 predicted to result in p.(Arg111Cys). Variants in ACP4 have been previously identified in individuals with amelogenesis imperfecta and published as the cause of disease, with this variant having been reported in three families previously by Seymen et al 2016 PMID: 27843125, Bloch-Zupan et al. 2023 PMID: 37228816 and Hany et al. PMID: 40741335 and ClinVar records RCV000415543.5 and RCV002307494.2. This variant has been identified in 2 families in this report, one of UK Pakistani heritage in this study and one other family, previously published in Hany et al. PMID: 40741335, with hypoplastic amelogenesis imperfecta (PP4). No variant segregation was performed due to lack of DNA from family members for one family, for the other family, one other DNA sample was available and the variant segregated with disease. The variant was identified as homozygous in the affected individual for one family and as compound heterozygous in the other (PM3).

Department of Pathology and Laboratory Medicine, Sinai Health System
Classification: Likely pathogenic for Amelogenesis imperfecta, type 1J. Last evaluated: 2023-03-19. Review status: criteria provided, single submitter. Criteria: ACMG Guidelines, 2015. Collection method: research. Allele origin: germline.

GeneDx
Classification: Likely pathogenic. Last evaluated: 2022-12-20. Review status: criteria provided, single submitter. Criteria: GeneDx Variant Classification Process June 2021. Collection method: clinical testing. Allele origin: germline. Affected: yes.
Comment: Published functional studies demonstrate a damaging effect: a knock in mouse model with a homozygous variant homologous to R111C demonstrated incisors and molars with a thin layer of aplastic enamel with many ectopic mineralized nodules (Liang et al., 2022); In silico analysis supports that this missense variant has a deleterious effect on protein structure/function; This variant is associated with the following publications: (PMID: 34426522, 27843125, 36183038)

Fulgent Genetics
Classification: Likely pathogenic for Amelogenesis imperfecta, type 1J. Last evaluated: 2022-03-16. Review status: criteria provided, single submitter. Criteria: ACMG Guidelines, 2015. Collection method: clinical testing. Allele origin: unknown.

Juno Genomics, Hangzhou Juno Genomics, Inc
Classification: Likely pathogenic for Amelogenesis imperfecta, type 1J. Review status: criteria provided, single submitter. Criteria: ACMG Guidelines, 2015. Collection method: clinical testing. Allele origin: germline.
Comment: Absent from controls (or at extremely low frequency if recessive) in Genome Aggregation Database.;Multiple lines of computational evidence support a deleterious effect on the gene or gene product.;For recessive disorders, detected in trans with a pathogenic variant.;Co-segregation with disease in multiple affected family members.;Patient's phenotype or family history is highly specific for a disease with a single genetic etiology.

OMIM
Classification: Pathogenic for AMELOGENESIS IMPERFECTA IJ. Last evaluated: 2019-08-15. Review status: no assertion criteria provided. Collection method: literature only. Allele origin: germline. Not counted in ClinVar's aggregate classification.

Literature cited by the submitters: PubMed 27843125 (cited by Leeds Amelogenesis Imperfecta Research Group, University of Leeds and OMIM); PubMed 37228816 (cited by Leeds Amelogenesis Imperfecta Research Group, University of Leeds); PubMed 40741335 (cited by Leeds Amelogenesis Imperfecta Research Group, University of Leeds).